The following is an entry in ClinVar:

ClinVar aggregate classification (germline): Uncertain significance (1 of 4 stars; one submission).

Conditions:
Werner syndrome (WRN). Identifiers: Orphanet 902, MedGen C0043119, MONDO:0010196, OMIM 277700.

Allele frequency attached by ClinVar (database versions not stated): gnomAD exomes below 0.00001.
gnomAD v4.1: 1 of 1,614,188 alleles (0.000062%); highest among the groups gnomAD compares: Non-Finnish European, 0.000085%; no homozygotes.

Submission:

Labcorp Genetics (formerly Invitae), Labcorp
Classification: Uncertain significance for Werner syndrome. Last evaluated: 2023-01-05. Review status: criteria provided, single submitter. Criteria: Invitae Variant Classification Sherloc (09022015). Collection method: clinical testing. Allele origin: germline.
Comment: This sequence change replaces tyrosine, which is neutral and polar, with cysteine, which is neutral and slightly polar, at codon 998 of the WRN protein (p.Tyr998Cys). This variant is not present in population databases (gnomAD no frequency). This variant has not been reported in the literature in individuals affected with WRN-related conditions. ClinVar contains an entry for this variant (Variation ID: 834686). Algorithms developed to predict the effect of missense changes on protein structure and function are either unavailable or do not agree on the potential impact of this missense change (SIFT: "Not Available"; PolyPhen-2: "Probably Damaging"; Align-GVGD: "Not Available"). In summary, the available evidence is currently insufficient to determine the role of this variant in disease. Therefore, it has been classified as a Variant of Uncertain Significance.

NM_000553.6(WRN):c.2993A>G (p.Tyr998Cys)

Gene: WRN (WRN RecQ like helicase; plus strand). Cytogenetic location: 8p12.
Variant type: single nucleotide variant.
Coding change: c.2993A>G on transcript NM_000553.6 (MANE Select); coding-DNA position 2993, A replaced by G.
Protein change: p.Tyr998Cys; replaces tyrosine 998 with cysteine.
Molecular consequence: missense variant.
Genome position (GRCh38, 1-based): chr8:31,141,455, A>G. VCF-style: chr8-31141455-A-G. GRCh37 (hg19) VCF-style: chr8-30998971-A-G.
Other names: short protein forms Y998C.
Identifiers: ClinVar variation 834686 (VCV000834686.5), dbSNP rs1802625349, ClinGen allele CA370921751.
Genomic context (GRCh38, chr8:31,141,455, plus strand): 5'-GCATTTTTAGATACTGATTTTATTCCTAATTTCAGAATTCTCAGCGTCTTGCCGATCAAT[A>G]TCGCAGGCACAGTTTATTTGGCACTGGCAAGGATCAAACAGAGAGTTGGTGGAAGGCTTT-3'
Protein context (NP_000544.2, residues 988-1008): GSNSQRLADQ[Tyr998Cys]RRHSLFGTGK